The following is an entry in ClinVar:

NM_001035.3(RYR2):c.1811A>G (p.His604Arg)

Gene: RYR2 (ryanodine receptor 2; plus strand). Cytogenetic location: 1q43.
Variant type: single nucleotide variant.
Coding change: c.1811A>G on transcript NM_001035.3 (MANE Select); coding-DNA position 1811, A replaced by G.
Protein change: p.His604Arg; replaces histidine 604 with arginine.
Molecular consequence: missense variant.
Genome position (GRCh38, 1-based): chr1:237,491,908, A>G. VCF-style: chr1-237491908-A-G. GRCh37 (hg19) VCF-style: chr1-237655208-A-G.
Other names: c.1811A>G, p.His604Arg (LRG_402t1); short protein forms H604R.
Identifiers: ClinVar variation 450361 (VCV000450361.3), dbSNP rs1553470886, ClinGen allele CA345388323.
Genomic context (GRCh38, chr1:237,491,908, plus strand): 5'-AAGCTCTAAATATTATTAAAGAAGGACATATTAAATCTATTATCTCACTTTTAGACAAAC[A>G]TGGAAGAAATCACAAGGTAAATGAACTATTTTATTTCCCTGAATGAATTCTCAAATCCTT-3'
Protein context (NP_001026.2, residues 594-614): IKSIISLLDK[His604Arg]GRNHKVLDVL

ClinVar aggregate classification (germline): Uncertain significance. Review status: criteria provided, multiple submitters, no conflicts (2 of 4 stars). 2 submissions from 2 submitters: Uncertain significance (2). Last evaluated 2025-04-09.

Conditions:
Cardiovascular phenotype. Identifiers: MedGen CN230736.

Allele frequency attached by ClinVar (database versions not stated): TOPMed below 0.00001.

Submissions (2):

Molecular Diagnostic Laboratory for Inherited Cardiovascular Disease, Montreal Heart Institute
Classification: Uncertain significance for Cardiovascular phenotype. Last evaluated: 2025-04-09. Review status: criteria provided, single submitter. Criteria: ACMG Guidelines, 2015. Collection method: clinical testing. Allele origin: germline. Affected: yes.
Comment: PM2, PP2, PP3

GeneDx
Classification: Uncertain significance. Last evaluated: 2018-10-02. Review status: criteria provided, single submitter. Criteria: GeneDx Variant Classification (06012015). Collection method: clinical testing. Allele origin: germline. Affected: yes.
Comment: The H604R variant in the RYR2 gene has not been reported previously as a pathogenic variant, nor as a benign variant, to our knowledge. The H604R variant is not observed in large population cohorts (Lek et al., 2016; 1000 Genomes Consortium et al., 2015; Exome Variant Server). The H604R variant is a conservative amino acid substitution, which is not likely to impact secondary protein structure as these residues share similar properties. This substitution occurs at a position that is conserved across species. In silico analysis predicts this variant is probably damaging to the protein structure/function. We interpret H604R as a variant of uncertain significance